The following is an entry in ClinVar:

ClinVar aggregate classification (germline): Uncertain significance. Review status: criteria provided, multiple submitters, no conflicts (2 of 4 stars). 3 submissions from 3 submitters: Uncertain significance (3). Last evaluated 2025-12-06.

Conditions:
Dilated cardiomyopathy 1DD (CMD1DD). Identifiers: Orphanet 154, MedGen C2750995, MONDO:0013168, OMIM 613172.
Cardiovascular phenotype. Identifiers: MedGen CN230736.

Allele frequency attached by ClinVar (database versions not stated): gnomAD exomes below 0.00001 and 0.00001; TOPMed 0.00001.
gnomAD v4.1: 2 of 1,551,428 alleles (0.00013%); highest among the groups gnomAD compares: Admixed American, 0.0039%; no homozygotes.

Submissions (3):

Labcorp Genetics (formerly Invitae), Labcorp
Classification: Uncertain significance for Dilated cardiomyopathy 1DD. Last evaluated: 2025-12-06. Review status: criteria provided, single submitter. Criteria: Invitae Variant Classification Sherloc (09022015). Collection method: clinical testing. Allele origin: germline.
Comment: This sequence change replaces alanine, which is neutral and non-polar, with valine, which is neutral and non-polar, at codon 96 of the RBM20 protein (p.Ala96Val). This variant is present in population databases (no rsID available, gnomAD 0.004%). This variant has not been reported in the literature in individuals affected with RBM20-related conditions. ClinVar contains an entry for this variant (Variation ID: 470605). Invitae Evidence Modeling of protein sequence and biophysical properties (such as structural, functional, and spatial information, amino acid conservation, physicochemical variation, residue mobility, and thermodynamic stability) has been performed for this missense variant. However, the output from this modeling did not meet the statistical confidence thresholds required to predict the impact of this variant on RBM20 protein function. In summary, the available evidence is currently insufficient to determine the role of this variant in disease. Therefore, it has been classified as a Variant of Uncertain Significance.

Ambry Genetics
Classification: Uncertain significance for Cardiovascular phenotype. Last evaluated: 2024-06-04. Review status: criteria provided, single submitter. Criteria: Ambry Variant Classification Scheme 2023. Collection method: clinical testing. Allele origin: germline.

Breakthrough Genomics
Classification: Uncertain significance. Review status: criteria provided, single submitter. Criteria: ACMG Guidelines, 2015. Collection method: not provided. Allele origin: germline. Inheritance: Autosomal dominant inheritance. Affected: yes.

NM_001134363.3(RBM20):c.287C>T (p.Ala96Val)

Gene: RBM20 (RNA binding motif protein 20; plus strand). Cytogenetic location: 10q25.2.
Variant type: single nucleotide variant.
Coding change: c.287C>T on transcript NM_001134363.3 (MANE Select); coding-DNA position 287, C replaced by T.
Protein change: p.Ala96Val; replaces alanine 96 with valine.
Molecular consequence: missense variant.
Genome position (GRCh38, 1-based): chr10:110,780,896, C>T. VCF-style: chr10-110780896-C-T. GRCh37 (hg19) VCF-style: chr10-112540654-C-T.
Other names: c.287C>T (NM_001134363.1); short protein forms A96V.
Identifiers: ClinVar variation 470605 (VCV000470605.12), dbSNP rs1195345503, ClinGen allele CA378379398.